The following is an entry in ClinVar:

NM_000142.5(FGFR3):c.2275-1G>A

Gene: FGFR3 (fibroblast growth factor receptor 3; plus strand). Cytogenetic location: 4p16.3.
Variant type: single nucleotide variant.
Coding change: c.2275-1G>A on transcript NM_000142.5 (MANE Select); the canonical splice acceptor site of the intron before coding-DNA position 2275, G replaced by A.
Molecular consequence: splice acceptor variant.
Genome position (GRCh38, 1-based): chr4:1,807,115, G>A. VCF-style: chr4-1807115-G-A. GRCh37 (hg19) VCF-style: chr4-1808842-G-A.
Other names: c.2281-1G>A (NM_001163213.2); c.2278-1G>A (NM_001354809.2); c.2207-1G>A (NM_001354810.2); c.1939-1G>A (NM_022965.4).
Identifiers: ClinVar variation 3721920 (VCV003721920.2).

ClinVar aggregate classification (germline): Uncertain significance (1 of 4 stars; one submission).

Submission:

Labcorp Genetics (formerly Invitae), Labcorp
Classification: Uncertain significance. Last evaluated: 2024-11-22. Review status: criteria provided, single submitter. Criteria: Invitae Variant Classification Sherloc (09022015). Collection method: clinical testing. Allele origin: germline.
Comment: This sequence change falls in intron 17 of the FGFR3 gene. It does not directly change the encoded amino acid sequence of the FGFR3 protein. It affects a nucleotide within the consensus splice site. This variant is not present in population databases (gnomAD no frequency). This variant has not been reported in the literature in individuals affected with FGFR3-related conditions. Variants that disrupt the consensus splice site are a relatively common cause of aberrant splicing (PMID: 17576681, 9536098). Algorithms developed to predict the effect of sequence changes on RNA splicing suggest that this variant may disrupt the consensus splice site. In summary, the available evidence is currently insufficient to determine the role of this variant in disease. Therefore, it has been classified as a Variant of Uncertain Significance.

Literature cited by the submitters: PubMed 17576681; PubMed 9536098.